The following is an entry in ClinVar:

NM_002386.4(MC1R):c.479G>A (p.Arg160Gln)

Gene: MC1R (melanocortin 1 receptor; plus strand). Cytogenetic location: 16q24.3.
Variant type: single nucleotide variant.
Coding change: c.479G>A on transcript NM_002386.4 (MANE Select); coding-DNA position 479, G replaced by A.
Protein change: p.Arg160Gln; replaces arginine 160 with glutamine.
Molecular consequence: missense variant.
Genome position (GRCh38, 1-based): chr16:89,919,737, G>A. VCF-style: chr16-89919737-G-A. GRCh37 (hg19) VCF-style: chr16-89986145-G-A.
Other names: short protein forms R160Q.
Identifiers: ClinVar variation 239155 (VCV000239155.12), dbSNP rs780813746, ClinGen allele CA8255609.
Genomic context (GRCh38, chr16:89,919,737, plus strand): 5'-TGGACCGCTACATCTCCATCTTCTACGCACTGCGCTACCACAGCATCGTGACCCTGCCGC[G>A]GGCGCGGCGAGCCGTTGCGGCCATCTGGGTGGCCAGTGTCGTCTTCAGCACGCTCTTCAT-3'
Protein context (NP_002377.4, residues 150-170): LRYHSIVTLP[Arg160Gln]ARRAVAAIWV

ClinVar aggregate classification (germline): Uncertain significance. Review status: criteria provided, multiple submitters, no conflicts (2 of 4 stars). 2 submissions from 2 submitters: Uncertain significance (2). Last evaluated 2024-11-21.

Conditions:
Melanoma, cutaneous malignant, susceptibility to, 5. Also called: Cutaneous malignant melanoma 5. Identifiers: Orphanet 618, MedGen C2751295, MONDO:0013133, OMIM 613099.
Familial melanoma. Also called: Hereditary melanoma; Hereditary cutaneous melanoma. Identifiers: Orphanet 618, MedGen C1512419, MONDO:0018961.

Allele frequency attached by ClinVar (database versions not stated): ExAC 0.00004; gnomAD 0.00005; TOPMed 0.00005; gnomAD exomes 0.00006 and 0.00007; 1000 Genomes Project 30x 0.00016.
gnomAD v4.1: 111 of 1,606,480 alleles (0.0069%); highest among the groups gnomAD compares: Non-Finnish European, 0.008%; no homozygotes.

Submissions (2):

Labcorp Genetics (formerly Invitae), Labcorp
Classification: Uncertain significance for Melanoma, cutaneous malignant, susceptibility to, 5. Last evaluated: 2024-11-21. Review status: criteria provided, single submitter. Criteria: Invitae Variant Classification Sherloc (09022015). Collection method: clinical testing. Allele origin: germline.
Comment: This sequence change replaces arginine, which is basic and polar, with glutamine, which is neutral and polar, at codon 160 of the MC1R protein (p.Arg160Gln). This variant is present in population databases (rs780813746, gnomAD 0.01%). This missense change has been observed in individual(s) with melanoma (PMID: 23711066, 24982914). ClinVar contains an entry for this variant (Variation ID: 239155). Invitae Evidence Modeling of protein sequence and biophysical properties (such as structural, functional, and spatial information, amino acid conservation, physicochemical variation, residue mobility, and thermodynamic stability) has been performed for this missense variant. However, the output from this modeling did not meet the statistical confidence thresholds required to predict the impact of this variant on MC1R protein function. In summary, the available evidence is currently insufficient to determine the role of this variant in disease. Therefore, it has been classified as a Variant of Uncertain Significance.

Department of Pathology and Laboratory Medicine, Sinai Health System
Classification: Uncertain significance for Familial melanoma. Last evaluated: 2023-03-29. Review status: criteria provided, single submitter. Criteria: ACMG Guidelines, 2015. Collection method: research. Allele origin: germline.

Literature cited by the submitters: PubMed 23711066 (cited by Labcorp Genetics (formerly Invitae), Labcorp); PubMed 24982914 (cited by Labcorp Genetics (formerly Invitae), Labcorp).